The following is an entry in ClinVar:

NM_001127178.3(PIGG):c.2180G>A (p.Gly727Glu)

Gene: PIGG (phosphatidylinositol glycan anchor biosynthesis class G (EMM blood group); plus strand). Cytogenetic location: 4p16.3.
Variant type: single nucleotide variant.
Coding change: c.2180G>A on transcript NM_001127178.3 (MANE Select); coding-DNA position 2180, G replaced by A.
Protein change: p.Gly727Glu; replaces glycine 727 with glutamic acid.
Molecular consequence: missense variant. On other transcripts: non-coding transcript variant (10).
Genome position (GRCh38, 1-based): chr4:527,149, G>A. VCF-style: chr4-527149-G-A. GRCh37 (hg19) VCF-style: chr4-520938-G-A.
Other names: c.1889G>A, p.Gly630Glu (NM_001345987.2); c.1151G>A, p.Gly384Glu (NM_001345988.2); c.647G>A, p.Gly216Glu (NM_001345990.2, NM_001345991.2); c.1082G>A, p.Gly361Glu (NM_001345994.2); c.2156G>A, p.Gly719Glu (NM_017733.5); c.1913G>A, p.Gly638Glu (NM_001289051.2, NM_001345986.2); c.1781G>A, p.Gly594Glu (NM_001289052.2); short protein forms G384E, G594E, G630E, G361E, G638E, G727E, G216E, G719E.
Identifiers: ClinVar variation 644176 (VCV000644176.57), dbSNP rs201842856, ClinGen allele CA2793561.
Genomic context (GRCh38, chr4:527,149, plus strand): 5'-TAGTTTTTGTGCTGGTGCAGAGGGGGTGCTCCCCTGTGTCCAAGGCTGCCCTGGCGCTGG[G>A]GCTGCTGGGCGTCTACTGCTACCGGGCGGCCATCGGGAGTGTCCGGTTCCCGTGGCGGCC-3'
Protein context (NP_001120650.1, residues 717-737): SPVSKAALAL[Gly727Glu]LLGVYCYRAA

ClinVar aggregate classification (germline): Conflicting classifications of pathogenicity. Review status: criteria provided, conflicting classifications (1 of 4 stars). 7 submissions from 7 submitters: Likely pathogenic (2); Uncertain significance (4). 1 of the submissions does not count toward it. Last evaluated 2025-09-05.

Conditions:
Intellectual disability, autosomal recessive 53 (NEDHSCA). Also called: GLYCOSYLPHOSPHATIDYLINOSITOL BIOSYNTHESIS DEFECT 13; Mental retardation, autosomal recessive 53; NEURODEVELOPMENTAL DISORDER WITH OR WITHOUT HYPOTONIA, SEIZURES, AND CEREBELLAR ATROPHY. Identifiers: Orphanet 488635, MedGen C4310794, MONDO:0014832, OMIM 616917.

Allele frequency attached by ClinVar (database versions not stated): gnomAD 0.00004 and 0.00005; ESP Exome Variant Server 0.00008; TOPMed 0.00008; gnomAD exomes 0.00009; ExAC 0.00011.
gnomAD v4.1: 175 of 1,613,936 alleles (0.011%); highest among the groups gnomAD compares: Non-Finnish European, 0.014%; 1 homozygote.

Submissions (7):

GeneDx
Classification: Likely pathogenic. Last evaluated: 2025-09-05. Review status: criteria provided, single submitter. Criteria: GeneDx Variant Classification Process June 2021. Collection method: clinical testing. Allele origin: germline. Affected: yes.
Comment: Has not been previously published as pathogenic or benign to our knowledge; In silico analysis supports that this missense variant has a deleterious effect on protein structure/function

Labcorp Genetics (formerly Invitae), Labcorp
Classification: Uncertain significance for Intellectual disability, autosomal recessive 53. Last evaluated: 2024-11-11. Review status: criteria provided, single submitter. Criteria: Invitae Variant Classification Sherloc (09022015). Collection method: clinical testing. Allele origin: germline.
Comment: This sequence change replaces glycine, which is neutral and non-polar, with glutamic acid, which is acidic and polar, at codon 727 of the PIGG protein (p.Gly727Glu). This variant is present in population databases (rs201842856, gnomAD 0.02%). This variant has not been reported in the literature in individuals affected with PIGG-related conditions. ClinVar contains an entry for this variant (Variation ID: 644176). Invitae Evidence Modeling of protein sequence and biophysical properties (such as structural, functional, and spatial information, amino acid conservation, physicochemical variation, residue mobility, and thermodynamic stability) indicates that this missense variant is expected to disrupt PIGG protein function with a positive predictive value of 80%. In summary, the available evidence is currently insufficient to determine the role of this variant in disease. Therefore, it has been classified as a Variant of Uncertain Significance.

Blueprint Genetics
Classification: Uncertain significance. Last evaluated: 2024-10-01. Review status: criteria provided, single submitter. Criteria: ACMG Guidelines, 2015. Collection method: clinical testing. Allele origin: germline.

Women's Health and Genetics/Laboratory Corporation of America, LabCorp
Classification: Uncertain significance. Last evaluated: 2024-03-13. Review status: criteria provided, single submitter. Criteria: LabCorp Variant Classification Summary - May 2015. Collection method: clinical testing. Allele origin: germline.
Comment: Variant summary: PIGG c.2180G>A (p.Gly727Glu) results in a non-conservative amino acid change located in the GPI ethanolamine phosphate transferase 2, C-terminal domain (IPR045687) of the encoded protein sequence. Three of five in-silico tools predict a damaging effect of the variant on protein function. The variant allele was found at a frequency of 9.2e-05 in 250070 control chromosomes. To our knowledge, no occurrence of c.2180G>A in individuals affected with Intellectual Disability, Autosomal Recessive 53 and no experimental evidence demonstrating its impact on protein function have been reported. ClinVar contains an entry for this variant (Variation ID: 644176). Based on the evidence outlined above, the variant was classified as uncertain significance.

CeGaT Center for Human Genetics Tuebingen
Classification: Likely pathogenic. Last evaluated: 2024-03-01. Review status: criteria provided, single submitter. Criteria: CeGaT Center For Human Genetics Tuebingen Variant Classification Criteria Version 2. Collection method: clinical testing. Allele origin: germline. Affected: yes. Observed: 1 variant allele.
Comment: PIGG: PM3:Strong, PM2

Revvity Omics, Revvity
Classification: Uncertain significance. Last evaluated: 2022-11-17. Review status: criteria provided, single submitter. Criteria: ACMG Guidelines, 2015. Collection method: clinical testing. Allele origin: germline.

Clinical Genetics Service, Universitary Hospital 12 de Octubre
Classification: Likely pathogenic for Intellectual disability, autosomal recessive 53. Last evaluated: 2026-08-26. Review status: no assertion criteria provided. Collection method: clinical testing. Allele origin: biparental. Inheritance: Autosomal recessive inheritance. Affected: yes. Observed: 2 variant alleles, 2 compound heterozygotes. Not counted in ClinVar's aggregate classification.
Comment: The missense variant c.2180G>A, p.(Gly727Glu) in PIGG has not, to our knowledge, been reported in affected individuals in the scientific literature; however, it is documented in the ClinVar database (Accession: VCV000644176.54) with conflicting interpretation. In our study this missense variant has been identified in compound heterozygosity with the pathogenic c.1515G>A, p.(Trp505Ter) variant in two affected pediatric siblings from the same family. Both patients present with a neurodevelopmental phenotype including hypotonia, febrile seizures, and severe expressive language disorder, consistent with the clinical spectrum associated with PIGG-related disease. The available in silico predictions are inconclusive (REVEL 0.46). Therefore the variant was classified as likely pathogenic.